The following is an entry in ClinVar:

NM_001625.4(AK2):c.524G>C (p.Arg175Pro)

Gene: AK2 (adenylate kinase 2; minus strand). Cytogenetic location: 1p35.1.
Variant type: single nucleotide variant.
Coding change: c.524G>C on transcript NM_001625.4 (MANE Select); coding-DNA position 524, G replaced by C.
Protein change: p.Arg175Pro; replaces arginine 175 with proline.
Molecular consequence: missense variant. On other transcripts: 3 prime UTR variant (1), non-coding transcript variant (1).
Genome position (GRCh38, 1-based): chr1:33,013,377, C>G on the plus strand (G>C on the coding strand, the complement: AK2 is on the minus strand). VCF-style: chr1-33013377-C-G. GRCh37 (hg19) VCF-style: chr1-33478978-C-G.
Other names: c.500G>C, p.Arg167Pro (NM_001199199.3); c.380G>C, p.Arg127Pro (NM_001319139.3, NM_001319140.2); c.524G>C, p.Arg175Pro (NM_001319141.3, NM_013411.5); c.398G>C, p.Arg133Pro (NM_001319142.3); c.*27G>C (NM_001319143.2); short protein forms R133P, R167P, R127P, R175P.
Identifiers: ClinVar variation 836023 (VCV000836023.2), dbSNP rs1243124080, ClinGen allele CA339699537.

ClinVar aggregate classification (germline): Likely pathogenic. Review status: criteria provided, multiple submitters, no conflicts (2 of 4 stars). 2 submissions from 2 submitters: Likely pathogenic (2). Last evaluated 2023-05-08.

Conditions:
Reticular dysgenesis. Also called: ALEUKOCYTOSIS; CONGENITAL ALEUKIA; HEMATOPOIETIC HYPOPLASIA, GENERALIZED; RETICULAR DYSGENESIA; SEVERE COMBINED IMMUNODEFICIENCY WITH LEUKOPENIA; DeVaal disease. Identifiers: Orphanet 33355, MedGen C0272167, MONDO:0009973, OMIM 267500.

Submissions (2):

Genomic Medicine Center of Excellence, King Faisal Specialist Hospital and Research Centre
Classification: Likely pathogenic for Reticular dysgenesis. Last evaluated: 2023-05-08. Review status: criteria provided, single submitter. Criteria: ACMG Guidelines, 2015. Collection method: research. Allele origin: germline. Affected: yes.

Labcorp Genetics (formerly Invitae), Labcorp
Classification: Likely pathogenic for Reticular dysgenesis. Last evaluated: 2019-12-15. Review status: criteria provided, single submitter. Criteria: Invitae Variant Classification Sherloc (09022015). Collection method: clinical testing. Allele origin: germline.
Comment: This sequence change replaces arginine with proline at codon 175 of the AK2 protein (p.Arg175Pro). The arginine residue is highly conserved and there is a moderate physicochemical difference between arginine and proline. This variant is not present in population databases (ExAC no frequency). This variant has been observed in individual(s) with clinical features of severe combined immunodeficiency (PMID: 23763981, 29713328). Algorithms developed to predict the effect of missense changes on protein structure and function (SIFT, PolyPhen-2, Align-GVGD) all suggest that this variant is likely to be disruptive, but these predictions have not been confirmed by published functional studies and their clinical significance is uncertain. This variant disrupts the p.Arg175 amino acid residue in AK2. Other variant(s) that disrupt this residue have been determined to be pathogenic (PMID: 23014587, 30697212). This suggests that this residue is clinically significant, and that variants that disrupt this residue are likely to be disease-causing. In summary, the currently available evidence indicates that the variant is pathogenic, but additional data are needed to prove that conclusively. Therefore, this variant has been classified as Likely Pathogenic.

Literature cited by the submitters: PubMed 30697212 (cited by Labcorp Genetics (formerly Invitae), Labcorp); PubMed 29713328 (cited by Labcorp Genetics (formerly Invitae), Labcorp); PubMed 23763981 (cited by Labcorp Genetics (formerly Invitae), Labcorp); PubMed 23014587 (cited by Labcorp Genetics (formerly Invitae), Labcorp).